The following is an entry in ClinVar:

ClinVar aggregate classification (germline): Benign/Likely benign. Review status: criteria provided, multiple submitters, no conflicts (2 of 4 stars). 3 submissions from 3 submitters: Benign (1); Likely benign (2). Last evaluated 2026-02-01.

Allele frequency attached by ClinVar (database versions not stated): gnomAD exomes 0.00001 and 0.00003; ExAC 0.00002; gnomAD 0.00003; TOPMed 0.00005.
gnomAD v4.1: 51 of 1,614,070 alleles (0.0032%); highest among the groups gnomAD compares: Admixed American, 0.0067%; no homozygotes.

Submissions (3):

CeGaT Center for Human Genetics Tuebingen
Classification: Likely benign. Last evaluated: 2026-02-01. Review status: criteria provided, single submitter. Criteria: CeGaT Center For Human Genetics Tuebingen Variant Classification Criteria Version 2. Collection method: clinical testing. Allele origin: germline. Affected: yes. Observed: 1 variant allele.
Comment: KCNC3: BP4, BP7

Athena Diagnostics
Classification: Benign. Last evaluated: 2025-08-26. Review status: criteria provided, single submitter. Criteria: Athena Diagnostics Criteria. Collection method: clinical testing. Allele origin: unknown.
Comment: The frequency of this variant in the general population is higher than would generally be expected for pathogenic variants in this gene. Computational tools yielded predictions that this variant is unlikely to have an effect on normal RNA splicing. This nucleotide position exhibits low evolutionary conservation. This variant has been seen where an alternate explanation for disease was also identified.

Labcorp Genetics (formerly Invitae), Labcorp
Classification: Likely benign. Last evaluated: 2024-11-27. Review status: criteria provided, single submitter. Criteria: Invitae Variant Classification Sherloc (09022015). Collection method: clinical testing. Allele origin: germline.

NM_004977.3(KCNC3):c.1017C>T (p.Asn339=)

Gene: KCNC3 (potassium voltage-gated channel subfamily C member 3; minus strand). Cytogenetic location: 19q13.33.
Variant type: single nucleotide variant.
Coding change: c.1017C>T on transcript NM_004977.3 (MANE Select); coding-DNA position 1017, C replaced by T.
Protein change: p.Asn339=; no amino-acid change (asparagine 339 retained).
Molecular consequence: synonymous variant.
Genome position (GRCh38, 1-based): chr19:50,323,936, G>A on the plus strand (C>T on the coding strand, the complement: KCNC3 is on the minus strand). VCF-style: chr19-50323936-G-A. GRCh37 (hg19) VCF-style: chr19-50827193-G-A.
Other names: c.789C>T, p.Asn263= (NM_001372305.1).
Identifiers: ClinVar variation 730242 (VCV000730242.14), dbSNP rs371799397, ClinGen allele CA9594305.